The following is an entry in ClinVar:

NM_001211.6(BUB1B):c.1147C>T (p.Gln383Ter)

Gene: BUB1B (BUB1 mitotic checkpoint serine/threonine kinase B; plus strand). Cytogenetic location: 15q15.1.
Variant type: single nucleotide variant.
Coding change: c.1147C>T on transcript NM_001211.6 (MANE Select); coding-DNA position 1147, C replaced by T.
Protein change: p.Gln383Ter; replaces glutamine 383 with a stop codon.
Molecular consequence: nonsense.
Genome position (GRCh38, 1-based): chr15:40,196,633, C>T. VCF-style: chr15-40196633-C-T. GRCh37 (hg19) VCF-style: chr15-40488834-C-T.
Other names: short protein forms Q383*.
Identifiers: ClinVar variation 4713327 (VCV004713327.1).

ClinVar aggregate classification (germline): Pathogenic (1 of 4 stars; one submission).

Conditions:
Mosaic variegated aneuploidy syndrome 1 (MVA1). Also called: Warburton-Anyane-Yeboa syndrome. Identifiers: Orphanet 1052, MedGen C1850343, MONDO:0009759, OMIM 257300.

Submission:

Labcorp Genetics (formerly Invitae), Labcorp
Classification: Pathogenic for Mosaic variegated aneuploidy syndrome 1. Last evaluated: 2025-02-18. Review status: criteria provided, single submitter. Criteria: Invitae Variant Classification Sherloc (09022015). Collection method: clinical testing. Allele origin: germline.
Comment: This sequence change creates a premature translational stop signal (p.Gln383*) in the BUB1B gene. It is expected to result in an absent or disrupted protein product. Loss-of-function variants in BUB1B are known to be pathogenic (PMID: 15475955, 21190457). This variant is not present in population databases (gnomAD no frequency). This variant has not been reported in the literature in individuals affected with BUB1B-related conditions. For these reasons, this variant has been classified as Pathogenic.

Literature cited by the submitters: PubMed 15475955; PubMed 21190457.